The following is an entry in ClinVar:

NC_000020.10:g.(?_35563412)_(35580046_?)dup

Gene: SAMHD1 (SAM and HD domain containing deoxynucleoside triphosphate triphosphohydrolase 1; minus strand). Cytogenetic location: 20q11.23.
Variant type: Duplication.
Identifiers: ClinVar variation 1450468 (VCV001450468.5).

ClinVar aggregate classification (germline): Uncertain significance (1 of 4 stars; one submission).

Conditions:
Aicardi-Goutieres syndrome 5. Identifiers: Orphanet 51, MedGen C2749659, MONDO:0013059, OMIM 612952.

Submission:

Labcorp Genetics (formerly Invitae), Labcorp
Classification: Uncertain significance for Aicardi-Goutieres syndrome 5. Last evaluated: 2022-08-16. Review status: criteria provided, single submitter. Criteria: Invitae Variant Classification Sherloc (09022015). Collection method: clinical testing. Allele origin: germline.
Comment: In summary, the available evidence is currently insufficient to determine the role of this variant in disease. Therefore, it has been classified as a Variant of Uncertain Significance. Experimental studies and prediction algorithms are not available or were not evaluated, and the functional significance of this variant is currently unknown. This variant has not been reported in the literature in individuals affected with SAMHD1-related conditions. This variant results in a copy number gain of the genomic region encompassing exon(s) 1-4 of the SAMHD1 gene. This region includes the initiator codon of the gene. This copy number gain extends beyond the assayed region for this gene and therefore may encompass additional genes. As the precise location of this event is unknown, it may be in tandem or it may be located elsewhere in the genome.